The following is an entry in ClinVar:

ClinVar aggregate classification (germline): Uncertain significance. Review status: criteria provided, multiple submitters, no conflicts (2 of 4 stars). 3 submissions from 3 submitters: Uncertain significance (3). Last evaluated 2025-05-06.

Conditions:
Hypogonadotropic hypogonadism 2 with or without anosmia (HH2). Also called: HYPOGONADOTROPIC HYPOGONADISM 2 WITHOUT ANOSMIA; HYPOGONADOTROPIC HYPOGONADISM 2 WITH OR WITHOUT ANOSMIA, SUSCEPTIBILITY TO; HYPOGONADOTROPIC HYPOGONADISM 2 WITHOUT ANOSMIA, SUSCEPTIBILITY TO; FGFR1-Related GnRH Deficiency (Kallmann Syndrome 2). Identifiers: Orphanet 478, MedGen C1563720, MONDO:0007844, OMIM 147950. Disease mechanism: loss of function.
Jackson-Weiss syndrome (JWS). Also called: CRANIOSYNOSTOSIS, MIDFACIAL HYPOPLASIA, AND FOOT ABNORMALITIES. Identifiers: Orphanet 1540, MedGen C0795998, MONDO:0007400, OMIM 123150. Disease mechanism: loss of function.
Encephalocraniocutaneous lipomatosis (ECCL). Identifiers: Orphanet 2396, MedGen C0406612, MONDO:0013074, OMIM 613001.
Pfeiffer syndrome (ACS5). Also called: ACS V. Identifiers: Orphanet 710, MedGen C0220658, MONDO:0007043, OMIM 101600.
Osteoglophonic dysplasia (OGD). Also called: Osteoglophonic dwarfism. Identifiers: Orphanet 2645, MedGen C0432283, MONDO:0008150, OMIM 166250.
Hartsfield-Bixler-Demyer syndrome (HRTFDS). Also called: Holoprosencephaly, ectrodactyly, and bilateral cleft lip/palate; Hartsfield syndrome; FGFR1-Related Hartsfield Syndrome. Identifiers: Orphanet 2117, MedGen C1845146, MONDO:0014196, OMIM 615465. Disease mechanism: loss of function.
Trigonocephaly 1 (TRIGNO1). Identifiers: Orphanet 3366, MedGen C0432122, MONDO:0008603, OMIM 190440.

gnomAD v4.1: 44 of 1,613,906 alleles (0.0027%); highest among the groups gnomAD compares: East Asian, 0.091%; no homozygotes.

Submissions (3):

Women's Health and Genetics/Laboratory Corporation of America, LabCorp
Classification: Uncertain significance. Last evaluated: 2025-05-06. Review status: criteria provided, single submitter. Criteria: LabCorp Variant Classification Summary - May 2015. Collection method: clinical testing. Allele origin: germline.
Comment: Variant summary: FGFR1 c.2201G>A (p.Arg734Gln) results in a conservative amino acid change in the encoded protein sequence. Algorithms developed to predict the effect of missense changes on protein structure and function are either unavailable or do not agree on the potential impact of this missense change. The variant allele was found at a frequency of 2.4e-05 in 250442 control chromosomes. The available data on variant occurrences in the general population are insufficient to allow any conclusion about variant significance. To our knowledge, no occurrence of c.2201G>A in individuals affected with FGFR1-Related Disorders and no experimental evidence demonstrating its impact on protein function have been reported. ClinVar contains an entry for this variant (Variation ID: 3257028). Based on the evidence outlined above, the variant was classified as uncertain significance.

CeGaT Center for Human Genetics Tuebingen
Classification: Uncertain significance. Last evaluated: 2024-07-01. Review status: criteria provided, single submitter. Criteria: CeGaT Center For Human Genetics Tuebingen Variant Classification Criteria Version 2. Collection method: clinical testing. Allele origin: germline. Affected: yes. Observed: 1 variant allele.
Comment: FGFR1: PM2

Juno Genomics, Hangzhou Juno Genomics, Inc
Classification: Uncertain significance for Encephalocraniocutaneous lipomatosis; Hartsfield-Bixler-Demyer syndrome; Hypogonadotropic hypogonadism 2 with or without anosmia; Jackson-Weiss syndrome; Osteoglophonic dysplasia; Pfeiffer syndrome; Trigonocephaly 1. Review status: criteria provided, single submitter. Criteria: ACMG Guidelines, 2015. Collection method: clinical testing. Allele origin: germline.
Comment: Absent from controls (or at extremely low frequency if recessive) in Genome Aggregation Database.

NM_023110.3(FGFR1):c.2201G>A (p.Arg734Gln)

Gene: FGFR1 (fibroblast growth factor receptor 1; minus strand). Cytogenetic location: 8p11.23.
Variant type: single nucleotide variant.
Coding change: c.2201G>A on transcript NM_023110.3 (MANE Select); coding-DNA position 2201, G replaced by A.
Protein change: p.Arg734Gln; replaces arginine 734 with glutamine.
Molecular consequence: missense variant.
Genome position (GRCh38, 1-based): chr8:38,414,009, C>T on the plus strand (G>A on the coding strand, the complement: FGFR1 is on the minus strand). VCF-style: chr8-38414009-C-T. GRCh37 (hg19) VCF-style: chr8-38271527-C-T.
Other names: c.2189G>A, p.Arg730Gln (NM_001410922.1, NM_001354369.2); c.2195G>A, p.Arg732Gln (NM_015850.4, NM_001174063.2, NM_001174065.2 and 1 more transcripts); c.1934G>A, p.Arg645Gln (NM_023105.3, NM_001174066.2); c.1928G>A, p.Arg643Gln (NM_023106.3, NM_001354370.2); c.2171G>A, p.Arg724Gln (NM_001174064.2); c.2294G>A, p.Arg765Gln (NM_001174067.2); c.1922G>A, p.Arg641Gln (NM_001354368.2); short protein forms R641Q, R643Q, R645Q, R724Q, R730Q, R732Q, R734Q, R765Q.
Identifiers: ClinVar variation 3257028 (VCV003257028.18).